The following is an entry in ClinVar:

NM_030665.4(RAI1):c.5509C>A (p.Leu1837Met)

Gene: RAI1 (retinoic acid induced 1; plus strand). Cytogenetic location: 17p11.2.
Variant type: single nucleotide variant.
Coding change: c.5509C>A on transcript NM_030665.4 (MANE Select); coding-DNA position 5509, C replaced by A.
Protein change: p.Leu1837Met; replaces leucine 1837 with methionine.
Molecular consequence: missense variant.
Genome position (GRCh38, 1-based): chr17:17,798,457, C>A. VCF-style: chr17-17798457-C-A. GRCh37 (hg19) VCF-style: chr17-17701771-C-A.
Other names: short protein forms L1837M.
Identifiers: ClinVar variation 2995392 (VCV002995392.3), dbSNP rs2543627259, ClinGen allele CA398559327.
Genomic context (GRCh38, chr17:17,798,457, plus strand): 5'-GGGGAGGCCCAGGAGCACTGGGTGCATGAGGCCTGTGCCGTGTGGACCGGCGGCGTCTAC[C>A]TGGTGGCCGGGAAGCTCTTTGGGCTGCAGGAGGCCATGAAGGTGGCCGTGGACATGGTAA-3'
Protein context (NP_109590.3, residues 1827-1847): ACAVWTGGVY[Leu1837Met]VAGKLFGLQE

ClinVar aggregate classification (germline): Uncertain significance (1 of 4 stars; one submission).

Submission:

Labcorp Genetics (formerly Invitae), Labcorp
Classification: Uncertain significance. Last evaluated: 2023-06-18. Review status: criteria provided, single submitter. Criteria: Invitae Variant Classification Sherloc (09022015). Collection method: clinical testing. Allele origin: germline.
Comment: In summary, the available evidence is currently insufficient to determine the role of this variant in disease. Therefore, it has been classified as a Variant of Uncertain Significance. Advanced modeling of protein sequence and biophysical properties (such as structural, functional, and spatial information, amino acid conservation, physicochemical variation, residue mobility, and thermodynamic stability) has been performed at Invitae for this missense variant, however the output from this modeling did not meet the statistical confidence thresholds required to predict the impact of this variant on RAI1 protein function. This variant has not been reported in the literature in individuals affected with RAI1-related conditions. This variant is not present in population databases (gnomAD no frequency). This sequence change replaces leucine, which is neutral and non-polar, with methionine, which is neutral and non-polar, at codon 1837 of the RAI1 protein (p.Leu1837Met).